The following is an entry in ClinVar:

ClinVar aggregate classification (germline): Benign. Review status: criteria provided, multiple submitters, no conflicts (2 of 4 stars). 4 submissions from 3 submitters: Benign (4). Last evaluated 2021-07-10.

Conditions:
Corneal dystrophy. Identifiers: Orphanet 34533, MedGen C0010036, MONDO:0018102, HP:0001131.
Congenital hereditary endothelial dystrophy of cornea. Also called: CORNEAL DYSTROPHY, CONGENITAL HEREDITARY ENDOTHELIAL; Congenital hereditary endothelial dystrophy of the cornea; Maumenee corneal dystrophy; Corneal endothelial dystrophy, autosomal recessive; Congenital hereditary endothelial dystrophy type II. Identifiers: Orphanet 293603, MedGen C1857569, MONDO:0009019, OMIM 217700.
Corneal dystrophy-perceptive deafness syndrome (CDPD). Also called: CORNEAL DYSTROPHY AND SENSORINEURAL DEAFNESS; HARBOYAN SYNDROME. Identifiers: Orphanet 1490, MedGen C1857572, MONDO:0009015, OMIM 217400.

Allele frequency attached by ClinVar (database versions not stated): ESP Exome Variant Server 0.43165; gnomAD 0.44483 and 0.44987; TOPMed 0.44699; 1000 Genomes Project 0.45028; 1000 Genomes Project 30x 0.45800.

Submissions (4):

Genome-Nilou Lab
Classification: Benign for Corneal dystrophy-perceptive deafness syndrome. Last evaluated: 2021-07-10. Review status: criteria provided, single submitter. Criteria: ACMG Guidelines, 2015. Collection method: clinical testing. Allele origin: germline. Affected: no.

Genome-Nilou Lab
Classification: Benign for Congenital hereditary endothelial dystrophy of cornea. Last evaluated: 2021-07-10. Review status: criteria provided, single submitter. Criteria: ACMG Guidelines, 2015. Collection method: clinical testing. Allele origin: germline. Affected: no.

Illumina Laboratory Services, Illumina
Classification: Benign for Corneal dystrophy. Last evaluated: 2018-01-13. Review status: criteria provided, single submitter. Criteria: ICSL Variant Classification Criteria 13 December 2019. Collection method: clinical testing. Allele origin: germline.
Comment: This variant was observed in the ICSL laboratory as part of a predisposition screen in an ostensibly healthy population. It had not been previously curated by ICSL or reported in the Human Gene Mutation Database (HGMD: prior to June 1st, 2018), and was therefore a candidate for classification through an automated scoring system. Utilizing variant allele frequency, disease prevalence and penetrance estimates, and inheritance mode, an automated score was calculated to assess if this variant is too frequent to cause the disease. Based on the score and internal cut-off values, a variant classified as benign is not then subjected to further curation. The score for this variant resulted in a classification of benign for this disease.

Breakthrough Genomics
Classification: Benign. Review status: criteria provided, single submitter. Criteria: ACMG Guidelines, 2015. Collection method: not provided. Allele origin: germline. Inheritance: Autosomal recessive inheritance. Affected: yes.

NM_001174089.2(SLC4A11):c.44-121G>C

Gene: SLC4A11 (solute carrier family 4 member 11; minus strand). Cytogenetic location: 20p13.
Variant type: single nucleotide variant.
Coding change: c.44-121G>C on transcript NM_001174089.2 (MANE Select); 121 bases into the intron before coding-DNA position 44, G replaced by C.
Molecular consequence: intron variant. On other transcripts: 5 prime UTR variant (1).
Genome position (GRCh38, 1-based): chr20:3,237,709, C>G on the plus strand (G>C on the coding strand, the complement: SLC4A11 is on the minus strand). VCF-style: chr20-3237709-C-G. GRCh37 (hg19) VCF-style: chr20-3218355-C-G.
Other names: c.-30G>C (NM_032034.4); c.44-121G>C (NM_001363745.2); c.173-121G>C (NM_001174090.2).
Identifiers: ClinVar variation 338263 (VCV000338263.9), dbSNP rs3827076, ClinGen allele CA9742511.
Genomic context (GRCh38, chr20:3,237,709, plus strand): 5'-ACCTGTCTCCCCGCCCCCCGACCTGGCTCATTCCTTCGCTCTTCCGAGGGATGCAACCCA[C>G]GCCACCCTAGGGAGAAAGGGAAGCAGGGGACAGTGCTCGGGAGGGGGCCCCATAGCAGGG-3'